The following is an entry in ClinVar:

ClinVar aggregate classification (germline): Uncertain significance (1 of 4 stars; one submission).

Conditions:
Cardiovascular phenotype. Identifiers: MedGen CN230736.

Submission:

Ambry Genetics
Classification: Uncertain significance for Cardiovascular phenotype. Last evaluated: 2026-02-17. Review status: criteria provided, single submitter. Criteria: Ambry Variant Classification Scheme 2023. Collection method: clinical testing. Allele origin: germline.
Comment: The p.A229T variant (also known as c.685G>A), located in coding exon 5 of the ENG gene, results from a G to A substitution at nucleotide position 685. The alanine at codon 229 is replaced by threonine, an amino acid with similar properties. This amino acid position is conserved. In addition, this alteration is predicted to be tolerated by in silico analysis. Based on the available evidence, the clinical significance of this variant remains unclear.

NM_001114753.3(ENG):c.685G>A (p.Ala229Thr)

Gene: ENG (endoglin; minus strand). Cytogenetic location: 9q34.11.
Variant type: single nucleotide variant.
Coding change: c.685G>A on transcript NM_001114753.3 (MANE Select); coding-DNA position 685, G replaced by A.
Protein change: p.Ala229Thr; replaces alanine 229 with threonine.
Molecular consequence: missense variant.
Genome position (GRCh38, 1-based): chr9:127,825,699, C>T on the plus strand (G>A on the coding strand, the complement: ENG is on the minus strand). VCF-style: chr9-127825699-C-T. GRCh37 (hg19) VCF-style: chr9-130587978-C-T.
Other names: c.139G>A, p.Ala47Thr (NM_001278138.2); c.685G>A, p.Ala229Thr (NM_001406715.1, NM_000118.4); short protein forms A229T, A47T.
Identifiers: ClinVar variation 4843426 (VCV004843426.1).